The following is an entry in ClinVar:

ClinVar aggregate classification (germline): Uncertain significance (1 of 4 stars; one submission).

Submission:

GeneDx
Classification: Uncertain significance. Last evaluated: 2023-12-10. Review status: criteria provided, single submitter. Criteria: GeneDx Variant Classification Process June 2021. Collection method: clinical testing. Allele origin: germline. Affected: yes.
Comment: Not observed at significant frequency in large population cohorts (gnomAD); In silico analysis supports that this missense variant does not alter protein structure/function; Has not been previously published as pathogenic or benign to our knowledge

NM_006734.4(HIVEP2):c.4861G>C (p.Asp1621His)

Gene: HIVEP2 (HIVEP zinc finger 2; minus strand). Cytogenetic location: 6q24.2.
Variant type: single nucleotide variant.
Coding change: c.4861G>C on transcript NM_006734.4 (MANE Select); coding-DNA position 4861, G replaced by C.
Protein change: p.Asp1621His; replaces aspartic acid 1621 with histidine.
Molecular consequence: missense variant.
Genome position (GRCh38, 1-based): chr6:142,769,878, C>G on the plus strand (G>C on the coding strand, the complement: HIVEP2 is on the minus strand). VCF-style: chr6-142769878-C-G. GRCh37 (hg19) VCF-style: chr6-143091015-C-G.
Other names: short protein forms D1621H.
Identifiers: ClinVar variation 3252802 (VCV003252802.1), dbSNP rs367696862.